The following is an entry in ClinVar:

NM_000384.3(APOB):c.11163C>G (p.Ile3721Met)

Gene: APOB (apolipoprotein B; minus strand). Cytogenetic location: 2p24.1.
Variant type: single nucleotide variant.
Coding change: c.11163C>G on transcript NM_000384.3 (MANE Select); coding-DNA position 11163, C replaced by G.
Protein change: p.Ile3721Met; replaces isoleucine 3721 with methionine.
Molecular consequence: missense variant.
Genome position (GRCh38, 1-based): chr2:21,005,705, G>C on the plus strand (C>G on the coding strand, the complement: APOB is on the minus strand). VCF-style: chr2-21005705-G-C. GRCh37 (hg19) VCF-style: chr2-21228577-G-C.
Other names: short protein forms I3721M.
Identifiers: ClinVar variation 3415752 (VCV003415752.1).

ClinVar aggregate classification (germline): Uncertain significance (1 of 4 stars; one submission).

Conditions:
Cardiovascular phenotype. Identifiers: MedGen CN230736.

Submission:

Ambry Genetics
Classification: Uncertain significance for Cardiovascular phenotype. Last evaluated: 2024-08-11. Review status: criteria provided, single submitter. Criteria: Ambry Variant Classification Scheme 2023. Collection method: clinical testing. Allele origin: germline.
Comment: The p.I3721M variant (also known as c.11163C>G), located in coding exon 26 of the APOB gene, results from a C to G substitution at nucleotide position 11163. The isoleucine at codon 3721 is replaced by methionine, an amino acid with highly similar properties. This amino acid position is conserved. In addition, this alteration is predicted to be tolerated by in silico analysis. Based on the available evidence, the clinical significance of this variant remains unclear.